The following is an entry in ClinVar:

NM_001365951.3(KIF1B):c.3897C>G (p.Ile1299Met)

Gene: KIF1B (kinesin family member 1B; plus strand). Cytogenetic location: 1p36.22.
Variant type: single nucleotide variant.
Coding change: c.3897C>G on transcript NM_001365951.3 (MANE Select); coding-DNA position 3897, C replaced by G.
Protein change: p.Ile1299Met; replaces isoleucine 1299 with methionine.
Molecular consequence: missense variant.
Genome position (GRCh38, 1-based): chr1:10,348,681, C>G. VCF-style: chr1-10348681-C-G. GRCh37 (hg19) VCF-style: chr1-10408739-C-G.
Other names: c.3897C>G, p.Ile1299Met (NM_001365952.1); c.3759C>G, p.Ile1253Met (NM_015074.3); short protein forms I1299M, I1253M.
Identifiers: ClinVar variation 3288468 (VCV003288468.1).

ClinVar aggregate classification (germline): Uncertain significance (1 of 4 stars; one submission).

gnomAD v4.1: 2 of 1,614,130 alleles (0.00012%); highest among the groups gnomAD compares: Non-Finnish European, 0.00017%; no homozygotes.

Submission:

Ambry Genetics
Classification: Uncertain significance. Last evaluated: 2024-05-29. Review status: criteria provided, single submitter. Criteria: Ambry Variant Classification Scheme 2023. Collection method: clinical testing. Allele origin: germline.
Comment: The p.I1253M variant (also known as c.3759C>G), located in coding exon 34 of the KIF1B gene, results from a C to G substitution at nucleotide position 3759. The isoleucine at codon 1253 is replaced by methionine, an amino acid with highly similar properties. This amino acid position is conserved. In addition, the in silico prediction for this alteration is inconclusive. Based on the available evidence, the clinical significance of this variant remains unclear.